The following is an entry in ClinVar:

NM_016204.4(GDF2):c.1018G>A (p.Gly340Ser)

Gene: GDF2 (growth differentiation factor 2; plus strand). Cytogenetic location: 10q11.22.
Variant type: single nucleotide variant.
Coding change: c.1018G>A on transcript NM_016204.4 (MANE Select); coding-DNA position 1018, G replaced by A.
Protein change: p.Gly340Ser; replaces glycine 340 with serine.
Molecular consequence: missense variant.
Genome position (GRCh38, 1-based): chr10:47,325,512, G>A. VCF-style: chr10-47325512-G-A. GRCh37 (hg19) VCF-style: chr10-48413850-C-T.
Other names: short protein forms G340S.
Identifiers: ClinVar variation 3705623 (VCV003705623.2).

ClinVar aggregate classification (germline): Uncertain significance (1 of 4 stars; one submission).

Conditions:
Telangiectasia, hereditary hemorrhagic, type 5 (HHT5). Identifiers: Orphanet 774, MedGen C3809710, MONDO:0014217, OMIM 615506.

Submission:

Labcorp Genetics (formerly Invitae), Labcorp
Classification: Uncertain significance for Telangiectasia, hereditary hemorrhagic, type 5. Last evaluated: 2024-08-06. Review status: criteria provided, single submitter. Criteria: Invitae Variant Classification Sherloc (09022015). Collection method: clinical testing. Allele origin: germline.
Comment: This sequence change replaces glycine, which is neutral and non-polar, with serine, which is neutral and polar, at codon 340 of the GDF2 protein (p.Gly340Ser). This variant is present in population databases (rs558028467, gnomAD 0.003%). This variant has not been reported in the literature in individuals affected with GDF2-related conditions. An algorithm developed to predict the effect of missense changes on protein structure and function (PolyPhen-2) suggests that this variant is likely to be disruptive. In summary, the available evidence is currently insufficient to determine the role of this variant in disease. Therefore, it has been classified as a Variant of Uncertain Significance.